The following is an entry in ClinVar:

NM_002181.4(IHH):c.2T>G (p.Met1Arg)

Gene: IHH (Indian hedgehog signaling molecule; minus strand). Cytogenetic location: 2q35.
Variant type: single nucleotide variant.
Coding change: c.2T>G on transcript NM_002181.4 (MANE Select); coding-DNA position 2, T replaced by G.
Protein change: p.Met1Arg; changes the start codon (methionine 1).
Molecular consequence: missense variant, initiator codon variant.
Genome position (GRCh38, 1-based): chr2:219,060,466, A>C on the plus strand (T>G on the coding strand, the complement: IHH is on the minus strand). VCF-style: chr2-219060466-A-C. GRCh37 (hg19) VCF-style: chr2-219925188-A-C.
Other names: short protein forms M1R.
Identifiers: ClinVar variation 2846342 (VCV002846342.3), dbSNP rs1948871509, ClinGen allele CA350637845.

ClinVar aggregate classification (germline): Pathogenic (1 of 4 stars; one submission).

Submission:

Labcorp Genetics (formerly Invitae), Labcorp
Classification: Pathogenic. Last evaluated: 2023-03-16. Review status: criteria provided, single submitter. Criteria: Invitae Variant Classification Sherloc (09022015). Collection method: clinical testing. Allele origin: germline.
Comment: This sequence change affects the initiator methionine of the IHH mRNA. The next in-frame methionine is located at codon 103. This variant is not present in population databases (gnomAD no frequency). This variant has not been reported in the literature in individuals affected with IHH-related conditions. For these reasons, this variant has been classified as Pathogenic. This variant disrupts a region of the IHH protein in which other variant(s) (p.Glu58Lys) have been determined to be pathogenic (PMID: 29155992). This suggests that this is a clinically significant region of the protein, and that variants that disrupt it are likely to be disease-causing.

Literature cited by the submitters: PubMed 29155992.